The following is an entry in ClinVar:

ClinVar aggregate classification (germline): Uncertain significance. Review status: criteria provided, multiple submitters, no conflicts (2 of 4 stars). 2 submissions from 2 submitters: Uncertain significance (2). Last evaluated 2026-09-08.

Conditions:
Hereditary cancer-predisposing syndrome. Also called: Neoplastic Syndromes, Hereditary; Hereditary Cancer Syndrome; Hereditary neoplastic syndrome; Tumor predisposition. Identifiers: Orphanet 140162, MedGen C0027672, MeSH D009386, MONDO:0015356.
Cardiovascular phenotype. Identifiers: MedGen CN230736.
Neurofibromatosis, type 1 (NF1). Also called: VON RECKLINGHAUSEN DISEASE; Neurofibromatosis, type I; Peripheral type neurofibromatosis; NEUROFIBROMATOSIS, TYPE I, SOMATIC. Identifiers: Orphanet 636, MedGen C0027831, MONDO:0018975, OMIM 162200. Disease mechanism: loss of function.

Submissions (2):

Ambry Genetics
Classification: Uncertain significance for Cardiovascular phenotype; Hereditary cancer-predisposing syndrome. Last evaluated: 2026-09-08. Review status: criteria provided, single submitter. Criteria: Ambry Variant Classification Scheme 2023. Collection method: clinical testing. Allele origin: germline.
Comment: The p.D1322H variant (also known as c.3964G>C), located in coding exon 29 of the NF1 gene, results from a G to C substitution at nucleotide position 3964. The aspartic acid at codon 1322 is replaced by histidine, an amino acid with similar properties. This amino acid position is highly conserved in available vertebrate species. In addition, this alteration is predicted to be deleterious by in silico analysis. Based on the available evidence, the clinical significance of this variant remains unclear.

Labcorp Genetics (formerly Invitae), Labcorp
Classification: Uncertain significance for Neurofibromatosis, type 1. Last evaluated: 2018-07-09. Review status: criteria provided, single submitter. Criteria: Invitae Variant Classification Sherloc (09022015). Collection method: clinical testing. Allele origin: germline.
Comment: This variant is not present in population databases (ExAC no frequency). This sequence change replaces aspartic acid with histidine at codon 1322 of the NF1 protein (p.Asp1322His). The aspartic acid residue is highly conserved and there is a moderate physicochemical difference between aspartic acid and histidine. This variant has not been reported in the literature in individuals with NF1-related disease. In summary, the available evidence is currently insufficient to determine the role of this variant in disease. Therefore, it has been classified as a Variant of Uncertain Significance. Algorithms developed to predict the effect of missense changes on protein structure and function are either unavailable or do not agree on the potential impact of this missense change (SIFT: "Deleterious"; PolyPhen-2: "Probably Damaging"; Align-GVGD: "Class C0").

NM_001042492.3(NF1):c.3964G>C (p.Asp1322His)

Gene: NF1 (neurofibromin 1; plus strand). Cytogenetic location: 17q11.2.
Variant type: single nucleotide variant.
Coding change: c.3964G>C on transcript NM_001042492.3 (MANE Select); coding-DNA position 3964, G replaced by C.
Protein change: p.Asp1322His; replaces aspartic acid 1322 with histidine.
Molecular consequence: missense variant.
Genome position (GRCh38, 1-based): chr17:31,236,011, G>C. VCF-style: chr17-31236011-G-C. GRCh37 (hg19) VCF-style: chr17-29563029-G-C.
Other names: c.3964G>C, p.Asp1322His (NM_000267.4); short protein forms D1322H.
Identifiers: ClinVar variation 639471 (VCV000639471.7), dbSNP rs1597723042, ClinGen allele CA398993319.
Genomic context (GRCh38, chr17:31,236,011, plus strand): 5'-GATCCTTTATTACGAATTGTGATCACATCCTCTGATTGGCAACATGTTAGCTTTGAAGTG[G>C]ATCCTACCAGGTTTGTCATCTTTTCACATAGAACCGCTGTTTTTTGTTTTTTTTTTTTTG-3'
Protein context (NP_001035957.1, residues 1312-1332): SDWQHVSFEV[Asp1322His]PTRLEPSESL